The following is an entry in ClinVar:

NM_000383.4(AIRE):c.999G>T (p.Gly333=)

Gene: AIRE (autoimmune regulator; plus strand). Cytogenetic location: 21q22.3.
Variant type: single nucleotide variant.
Coding change: c.999G>T on transcript NM_000383.4 (MANE Select); coding-DNA position 999, G replaced by T.
Protein change: p.Gly333=; no amino-acid change (glycine 333 retained).
Molecular consequence: synonymous variant.
Genome position (GRCh38, 1-based): chr21:44,292,305, G>T. VCF-style: chr21-44292305-G-T. GRCh37 (hg19) VCF-style: chr21-45712188-G-T.
Identifiers: ClinVar variation 1460519 (VCV001460519.8), dbSNP rs1445602810, ClinGen allele CA512491460.

ClinVar aggregate classification (germline): Uncertain significance (1 of 4 stars; one submission).

Conditions:
Polyglandular autoimmune syndrome, type 1 (APS1). Also called: Autoimmune polyendocrinopathy syndrome, type I; PGA I; Autoimmune polyendocrinopathy syndrome , type I, with or without reversible metaphyseal dysplasia; Autoimmune polyendocrine syndrome type 1; AUTOIMMUNE POLYENDOCRINE SYNDROME, TYPE I, WITH OR WITHOUT REVERSIBLE METAPHYSEAL DYSPLASIA; APS I. Identifiers: Orphanet 3453, MedGen C0085859, MONDO:0009411, OMIM 240300.

gnomAD v4.1: 1 of 1,572,174 alleles (0.000064%); highest among the groups gnomAD compares: South Asian, 0.0012%; no homozygotes.

Submission:

Labcorp Genetics (formerly Invitae), Labcorp
Classification: Uncertain significance for Polyglandular autoimmune syndrome, type 1. Last evaluated: 2022-07-19. Review status: criteria provided, single submitter. Criteria: Invitae Variant Classification Sherloc (09022015). Collection method: clinical testing. Allele origin: germline.
Comment: In summary, the available evidence is currently insufficient to determine the role of this variant in disease. Therefore, it has been classified as a Variant of Uncertain Significance. Algorithms developed to predict the effect of sequence changes on RNA splicing suggest that this variant may disrupt the consensus splice site. ClinVar contains an entry for this variant (Variation ID: 1460519). This variant has not been reported in the literature in individuals affected with AIRE-related conditions. This variant is not present in population databases (gnomAD no frequency). This sequence change affects codon 333 of the AIRE mRNA. It is a 'silent' change, meaning that it does not change the encoded amino acid sequence of the AIRE protein.